The following is an entry in ClinVar:

ClinVar aggregate classification (germline): Uncertain significance. Review status: criteria provided, multiple submitters, no conflicts (2 of 4 stars). 2 submissions from 2 submitters: Uncertain significance (2). Last evaluated 2025-06-09.

Conditions:
Inborn genetic diseases. Identifiers: MedGen C0950123, MeSH D030342.
Baller-Gerold syndrome (BGS). Also called: CRANIOSYNOSTOSIS WITH RADIAL DEFECTS. Identifiers: Orphanet 1225, MedGen C0265308, MONDO:0009039, OMIM 218600.

Allele frequency attached by ClinVar (database versions not stated): gnomAD exomes 0.00001.
gnomAD v4.1: 8 of 1,612,326 alleles (0.0005%); highest among the groups gnomAD compares: Admixed American, 0.005%; no homozygotes.

Submissions (2):

Labcorp Genetics (formerly Invitae), Labcorp
Classification: Uncertain significance for Baller-Gerold syndrome. Last evaluated: 2025-06-09. Review status: criteria provided, single submitter. Criteria: Invitae Variant Classification Sherloc (09022015). Collection method: clinical testing. Allele origin: germline.
Comment: This sequence change replaces cysteine, which is neutral and slightly polar, with tyrosine, which is neutral and polar, at codon 620 of the RECQL4 protein (p.Cys620Tyr). This variant is present in population databases (no rsID available, gnomAD 0.006%). This variant has not been reported in the literature in individuals affected with RECQL4-related conditions. ClinVar contains an entry for this variant (Variation ID: 942814). Invitae Evidence Modeling of protein sequence and biophysical properties (such as structural, functional, and spatial information, amino acid conservation, physicochemical variation, residue mobility, and thermodynamic stability) indicates that this missense variant is expected to disrupt RECQL4 protein function with a positive predictive value of 80%. In summary, the available evidence is currently insufficient to determine the role of this variant in disease. Therefore, it has been classified as a Variant of Uncertain Significance.

Ambry Genetics
Classification: Uncertain significance for Inborn genetic diseases. Last evaluated: 2025-03-19. Review status: criteria provided, single submitter. Criteria: Ambry Variant Classification Scheme 2023. Collection method: clinical testing. Allele origin: germline.
Comment: The p.C620Y variant (also known as c.1859G>A), located in coding exon 11 of the RECQL4 gene, results from a G to A substitution at nucleotide position 1859. The cysteine at codon 620 is replaced by tyrosine, an amino acid with highly dissimilar properties. This amino acid position is conserved. In addition, this alteration is predicted to be deleterious by in silico analysis. Based on the available evidence, the clinical significance of this variant remains unclear.

NM_004260.4(RECQL4):c.1859G>A (p.Cys620Tyr)

Gene: RECQL4 (RecQ like helicase 4; minus strand). Cytogenetic location: 8q24.3.
Variant type: single nucleotide variant.
Coding change: c.1859G>A on transcript NM_004260.4 (MANE Select); coding-DNA position 1859, G replaced by A.
Protein change: p.Cys620Tyr; replaces cysteine 620 with tyrosine.
Molecular consequence: missense variant.
Genome position (GRCh38, 1-based): chr8:144,514,208, C>T on the plus strand (G>A on the coding strand, the complement: RECQL4 is on the minus strand). VCF-style: chr8-144514208-C-T. GRCh37 (hg19) VCF-style: chr8-145739592-C-T.
Other names: short protein forms C620Y.
Identifiers: ClinVar variation 942814 (VCV000942814.7), dbSNP rs1481613413, ClinGen allele CA372680615.